The following is an entry in ClinVar:

NM_020937.4(FANCM):c.2621T>C (p.Ile874Thr)

Gene: FANCM (FA complementation group M; plus strand). Cytogenetic location: 14q21.2.
Variant type: single nucleotide variant.
Coding change: c.2621T>C on transcript NM_020937.4 (MANE Select); coding-DNA position 2621, T replaced by C.
Protein change: p.Ile874Thr; replaces isoleucine 874 with threonine.
Molecular consequence: missense variant.
Genome position (GRCh38, 1-based): chr14:45,175,375, T>C. VCF-style: chr14-45175375-T-C. GRCh37 (hg19) VCF-style: chr14-45644578-T-C.
Other names: c.2543T>C, p.Ile848Thr (NM_001308133.2); c.2621T>C (NM_020937.3); short protein forms I848T, I874T.
Identifiers: ClinVar variation 839284 (VCV000839284.10), dbSNP rs774139592, ClinGen allele CA7169381.
Genomic context (GRCh38, chr14:45,175,375, plus strand): 5'-AGAAAAAAGTGTCTAAAGAAATAAAAAAAGATCAGCTTAAAAAAGAAAATAATCACGGTA[T>C]TATAGATTCTGTAGATAATGACAGAAATTCCACTGTTGAAAATATTTTTCAAGAAGACCT-3'
Protein context (NP_065988.1, residues 864-884): DQLKKENNHG[Ile874Thr]IDSVDNDRNS

ClinVar aggregate classification (germline): Uncertain significance. Review status: criteria provided, multiple submitters, no conflicts (2 of 4 stars). 3 submissions from 3 submitters: Uncertain significance (3). Last evaluated 2025-06-23.

Conditions:
Fanconi anemia (FA). Also called: Fanconi's anemia. Identifiers: Orphanet 84, MedGen C0015625, MeSH D005199, MONDO:0019391.

Allele frequency attached by ClinVar (database versions not stated): ExAC 0.00001; gnomAD 0.00001 and 0.00002; gnomAD exomes 0.00001 and 0.00002; TOPMed 0.00001.
gnomAD v4.1: 35 of 1,561,524 alleles (0.0022%); highest among the groups gnomAD compares: Middle Eastern, 0.051%; no homozygotes.

Submissions (3):

Quest Diagnostics Nichols Institute San Juan Capistrano
Classification: Uncertain significance. Last evaluated: 2025-06-23. Review status: criteria provided, single submitter. Criteria: Quest Diagnostics criteria. Collection method: clinical testing. Allele origin: unknown.
Comment: The FANCM c.2621T>C (p.Ile874Thr) variant has been reported in the published literature in individuals with breast cancer and in reportedly unaffected individuals (PMID: 36707629 (2023), 33471991 (2021), see also LOVD). The frequency of this variant in the general population (Genome Aggregation Database) is uninformative in the assessment of its pathogenicity. Analysis of this variant using bioinformatics tools for the prediction of the effect of amino acid changes on protein structure and function yielded predictions that this variant is benign. Based on the available information, we are unable to determine the clinical significance of this variant.

Labcorp Genetics (formerly Invitae), Labcorp
Classification: Uncertain significance for Fanconi anemia. Last evaluated: 2025-05-05. Review status: criteria provided, single submitter. Criteria: Invitae Variant Classification Sherloc (09022015). Collection method: clinical testing. Allele origin: germline.
Comment: This sequence change replaces isoleucine, which is neutral and non-polar, with threonine, which is neutral and polar, at codon 874 of the FANCM protein (p.Ile874Thr). This variant is present in population databases (rs774139592, gnomAD 0.004%). This variant has not been reported in the literature in individuals affected with FANCM-related conditions. ClinVar contains an entry for this variant (Variation ID: 839284). An algorithm developed to predict the effect of missense changes on protein structure and function (PolyPhen-2) suggests that this variant is likely to be tolerated. In summary, the available evidence is currently insufficient to determine the role of this variant in disease. Therefore, it has been classified as a Variant of Uncertain Significance.

GeneDx
Classification: Uncertain significance. Last evaluated: 2024-03-20. Review status: criteria provided, single submitter. Criteria: GeneDx Variant Classification Process June 2021. Collection method: clinical testing. Allele origin: germline. Affected: yes.
Comment: Not observed at significant frequency in large population cohorts (gnomAD); In silico analysis supports that this missense variant does not alter protein structure/function; Has not been previously published as pathogenic or benign to our knowledge

Literature cited by the submitters: PubMed 33471991 (cited by Quest Diagnostics Nichols Institute San Juan Capistrano); PubMed 36707629 (cited by Quest Diagnostics Nichols Institute San Juan Capistrano).